The following is an entry in ClinVar:

NC_000001.10:g.(?_100436083)_(100477099_?)del

Gene: SLC35A3 (solute carrier family 35 member A3; plus strand). Cytogenetic location: 1p21.2.
Variant type: Deletion.
Identifiers: ClinVar variation 2425784 (VCV002425784.5).

ClinVar aggregate classification (germline): Pathogenic (1 of 4 stars; one submission).

Conditions:
Autism spectrum disorder - epilepsy - arthrogryposis syndrome (AMRS). Identifiers: Orphanet 370943, MedGen C3809910, MONDO:0014248, OMIM 615553.

Submission:

Labcorp Genetics (formerly Invitae), Labcorp
Classification: Pathogenic for Autism spectrum disorder - epilepsy - arthrogryposis syndrome. Last evaluated: 2021-11-03. Review status: criteria provided, single submitter. Criteria: Invitae Variant Classification Sherloc (09022015). Collection method: clinical testing. Allele origin: germline.
Comment: For these reasons, this variant has been classified as Pathogenic. This variant has not been reported in the literature in individuals affected with SLC35A3-related conditions. This variant is a gross deletion of the genomic region encompassing exon(s) 2-5 of the SLC35A3 gene, which includes the initiator codon. This deletion extends beyond the assayed region for this gene and therefore may encompass additional genes. It is expected to result in an absent or disrupted protein product. Loss-of-function variants in SLC35A3 are known to be pathogenic (PMID: 24031089, 28328131).

Literature cited by the submitters: PubMed 24031089; PubMed 28328131.